The following is an entry in ClinVar:

NM_001277313.2(FMN1):c.3861G>A (p.Val1287=)

Gene: FMN1 (formin 1; minus strand). Cytogenetic location: 15q13.3.
Variant type: single nucleotide variant.
Coding change: c.3861G>A on transcript NM_001277313.2 (MANE Select); coding-DNA position 3861, G replaced by A.
Protein change: p.Val1287=; no amino-acid change (valine 1287 retained).
Molecular consequence: synonymous variant.
Genome position (GRCh38, 1-based): chr15:32,857,082, C>T on the plus strand (G>A on the coding strand, the complement: FMN1 is on the minus strand). VCF-style: chr15-32857082-C-T. GRCh37 (hg19) VCF-style: chr15-33149283-C-T.
Other names: c.3192G>A, p.Val1064= (NM_001103184.4).
Identifiers: ClinVar variation 2060533 (VCV002060533.28), dbSNP rs371991451, ClinGen allele CA7456391.

ClinVar aggregate classification (germline): Likely benign. Review status: criteria provided, multiple submitters, no conflicts (2 of 4 stars). 2 submissions from 2 submitters: Likely benign (2). Last evaluated 2022-07-01.

Allele frequency attached by ClinVar (database versions not stated): gnomAD exomes 0.00008; gnomAD 0.00017; ExAC 0.00020; TOPMed 0.00029; ESP Exome Variant Server 0.00033.
gnomAD v4.1: 171 of 1,613,144 alleles (0.011%); highest among the groups gnomAD compares: Middle Eastern, 0.2%; no homozygotes.

Submissions (2):

CeGaT Center for Human Genetics Tuebingen
Classification: Likely benign. Last evaluated: 2022-07-01. Review status: criteria provided, single submitter. Criteria: CeGaT Center For Human Genetics Tuebingen Variant Classification Criteria Version 2. Collection method: clinical testing. Allele origin: germline. Affected: yes. Observed: 1 variant allele.
Comment: FMN1: BP4, BP7

Labcorp Genetics (formerly Invitae), Labcorp
Classification: Likely benign. Last evaluated: 2022-04-19. Review status: criteria provided, single submitter. Criteria: Invitae Variant Classification Sherloc (09022015). Collection method: clinical testing. Allele origin: germline.